The following is an entry in ClinVar:

NM_020964.3(EPG5):c.6691G>A (p.Gly2231Arg)

Gene: EPG5 (ectopic P-granules 5 autophagy tethering factor; minus strand). Cytogenetic location: 18q12.3.
Variant type: single nucleotide variant.
Coding change: c.6691G>A on transcript NM_020964.3 (MANE Select); coding-DNA position 6691, G replaced by A.
Protein change: p.Gly2231Arg; replaces glycine 2231 with arginine.
Molecular consequence: missense variant.
Genome position (GRCh38, 1-based): chr18:45,865,690, C>T on the plus strand (G>A on the coding strand, the complement: EPG5 is on the minus strand). VCF-style: chr18-45865690-C-T. GRCh37 (hg19) VCF-style: chr18-43445655-C-T.
Other names: c.6691G>A, p.Gly2231Arg (NM_001410858.1); c.6688G>A, p.Gly2230Arg (NM_001410859.1); short protein forms G2230R, G2231R.
Identifiers: ClinVar variation 1959753 (VCV001959753.7), dbSNP rs1568101761, ClinGen allele CA402338328.

ClinVar aggregate classification (germline): Uncertain significance. Review status: criteria provided, multiple submitters, no conflicts (2 of 4 stars). 2 submissions from 2 submitters: Uncertain significance (2). Last evaluated 2025-05-22.

Conditions:
Inborn genetic diseases. Identifiers: MedGen C0950123, MeSH D030342.
Vici syndrome (VICIS). Identifiers: Orphanet 1493, MedGen C1855772, MONDO:0009452, OMIM 242840.

Allele frequency attached by ClinVar (database versions not stated): gnomAD exomes below 0.00001; gnomAD 0.00001.
gnomAD v4.1: 6 of 1,613,068 alleles (0.00037%); highest among the groups gnomAD compares: Non-Finnish European, 0.00051%; no homozygotes.

Submissions (2):

Ambry Genetics
Classification: Uncertain significance for Inborn genetic diseases. Last evaluated: 2025-05-22. Review status: criteria provided, single submitter. Criteria: Ambry Variant Classification Scheme 2023. Collection method: clinical testing. Allele origin: germline.

Labcorp Genetics (formerly Invitae), Labcorp
Classification: Uncertain significance for Vici syndrome. Last evaluated: 2024-02-23. Review status: criteria provided, single submitter. Criteria: Invitae Variant Classification Sherloc (09022015). Collection method: clinical testing. Allele origin: germline.
Comment: This sequence change replaces glycine, which is neutral and non-polar, with arginine, which is basic and polar, at codon 2231 of the EPG5 protein (p.Gly2231Arg). The frequency data for this variant in the population databases is considered unreliable, as metrics indicate poor data quality at this position in the gnomAD database. This variant has not been reported in the literature in individuals affected with EPG5-related conditions. ClinVar contains an entry for this variant (Variation ID: 1959753). Advanced modeling of protein sequence and biophysical properties (such as structural, functional, and spatial information, amino acid conservation, physicochemical variation, residue mobility, and thermodynamic stability) performed at Invitae indicates that this missense variant is not expected to disrupt EPG5 protein function with a negative predictive value of 80%. In summary, the available evidence is currently insufficient to determine the role of this variant in disease. Therefore, it has been classified as a Variant of Uncertain Significance.